The following is an entry in ClinVar:

NM_032119.4(ADGRV1):c.18800C>T (p.Thr6267Ile)

Gene: ADGRV1 (adhesion G protein-coupled receptor V1; plus strand). Cytogenetic location: 5q14.3.
Variant type: single nucleotide variant.
Coding change: c.18800C>T on transcript NM_032119.4 (MANE Select); coding-DNA position 18800, C replaced by T.
Protein change: p.Thr6267Ile; replaces threonine 6267 with isoleucine.
Molecular consequence: missense variant. On other transcripts: non-coding transcript variant (1).
Genome position (GRCh38, 1-based): chr5:91,153,396, C>T. VCF-style: chr5-91153396-C-T. GRCh37 (hg19) VCF-style: chr5-90449213-C-T.
Other names: short protein forms T6267I.
Identifiers: ClinVar variation 1503708 (VCV001503708.9), dbSNP rs760908085, ClinGen allele CA3342738.

ClinVar aggregate classification (germline): Uncertain significance. Review status: criteria provided, multiple submitters, no conflicts (2 of 4 stars). 3 submissions from 3 submitters: Uncertain significance (3). Last evaluated 2024-07-30.

Allele frequency attached by ClinVar (database versions not stated): ExAC 0.00001; gnomAD 0.00001; gnomAD exomes 0.00001 and 0.00002; TOPMed 0.00001.
gnomAD v4.1: 33 of 1,599,076 alleles (0.0021%); highest among the groups gnomAD compares: Admixed American, 0.0034%; no homozygotes.

Submissions (3):

Blueprint Genetics
Classification: Uncertain significance. Last evaluated: 2024-07-30. Review status: criteria provided, single submitter. Criteria: ACMG Guidelines, 2015. Collection method: clinical testing. Allele origin: germline.

Labcorp Genetics (formerly Invitae), Labcorp
Classification: Uncertain significance. Last evaluated: 2024-01-14. Review status: criteria provided, single submitter. Criteria: Invitae Variant Classification Sherloc (09022015). Collection method: clinical testing. Allele origin: germline.
Comment: This sequence change replaces threonine, which is neutral and polar, with isoleucine, which is neutral and non-polar, at codon 6267 of the ADGRV1 protein (p.Thr6267Ile). The frequency data for this variant in the population databases is considered unreliable, as metrics indicate poor data quality at this position in the gnomAD database. This variant has not been reported in the literature in individuals affected with ADGRV1-related conditions. ClinVar contains an entry for this variant (Variation ID: 1503708). An algorithm developed to predict the effect of missense changes on protein structure and function (PolyPhen-2) suggests that this variant is likely to be disruptive. In summary, the available evidence is currently insufficient to determine the role of this variant in disease. Therefore, it has been classified as a Variant of Uncertain Significance.

GeneDx
Classification: Uncertain significance. Last evaluated: 2021-12-17. Review status: criteria provided, single submitter. Criteria: GeneDx Variant Classification Process June 2021. Collection method: clinical testing. Allele origin: germline. Affected: yes.
Comment: Not observed at significant frequency in large population cohorts (gnomAD); In silico analysis supports that this missense variant has a deleterious effect on protein structure/function; Has not been previously published as pathogenic or benign to our knowledge